The following is an entry in ClinVar:

ClinVar aggregate classification (germline): Uncertain significance (1 of 4 stars; one submission).

Conditions:
Fibrous dysplasia of jaw (CRBM). Also called: Cherubism. Identifiers: Orphanet 184, MedGen C0008029, MONDO:0007315, OMIM 118400.

Submission:

Labcorp Genetics (formerly Invitae), Labcorp
Classification: Uncertain significance for Fibrous dysplasia of jaw. Last evaluated: 2020-12-04. Review status: criteria provided, single submitter. Criteria: Invitae Variant Classification Sherloc (09022015). Collection method: clinical testing. Allele origin: germline.
Comment: This sequence change replaces alanine with glycine at codon 473 of the SH3BP2 protein (p.Ala473Gly). The alanine residue is highly conserved and there is a small physicochemical difference between alanine and glycine. This variant is not present in population databases (ExAC no frequency). In summary, the available evidence is currently insufficient to determine the role of this variant in disease. Therefore, it has been classified as a Variant of Uncertain Significance. Algorithms developed to predict the effect of sequence changes on RNA splicing suggest that this variant may create or strengthen a splice site, but this prediction has not been confirmed by published transcriptional studies. Algorithms developed to predict the effect of missense changes on protein structure and function are either unavailable or do not agree on the potential impact of this missense change (SIFT: "Deleterious"; PolyPhen-2: "Benign"; Align-GVGD: "Class C0"). This variant has not been reported in the literature in individuals with SH3BP2-related conditions.

NM_001122681.2(SH3BP2):c.1418C>G (p.Ala473Gly)

Gene: SH3BP2 (SH3 domain binding protein 2; plus strand). Cytogenetic location: 4p16.3.
Variant type: single nucleotide variant.
Coding change: c.1418C>G on transcript NM_001122681.2 (MANE Select); coding-DNA position 1418, C replaced by G.
Protein change: p.Ala473Gly; replaces alanine 473 with glycine.
Molecular consequence: missense variant.
Genome position (GRCh38, 1-based): chr4:2,832,342, C>G. VCF-style: chr4-2832342-C-G. GRCh37 (hg19) VCF-style: chr4-2834069-C-G.
Other names: c.1502C>G, p.Ala501Gly (NM_001145855.2); c.1589C>G, p.Ala530Gly (NM_001145856.2); c.1418C>G, p.Ala473Gly (NM_003023.4); short protein forms A473G, A530G, A501G.
Identifiers: ClinVar variation 1478959 (VCV001478959.8), dbSNP rs2108742009, ClinGen allele CA356058573.